The following is an entry in ClinVar:

ClinVar aggregate classification (germline): Uncertain significance (1 of 4 stars; one submission).

Submission:

Labcorp Genetics (formerly Invitae), Labcorp
Classification: Uncertain significance. Last evaluated: 2025-02-12. Review status: criteria provided, single submitter. Criteria: Invitae Variant Classification Sherloc (09022015). Collection method: clinical testing. Allele origin: germline.
Comment: This sequence change replaces alanine, which is neutral and non-polar, with threonine, which is neutral and polar, at codon 983 of the CASZ1 protein (p.Ala983Thr). The frequency data for this variant in the population databases is considered unreliable, as metrics indicate poor data quality at this position in the gnomAD database. This variant has not been reported in the literature in individuals affected with CASZ1-related conditions. An algorithm developed to predict the effect of missense changes on protein structure and function outputs the following: PolyPhen-2: "Benign". The threonine amino acid residue is found in multiple mammalian species, which suggests that this missense change does not adversely affect protein function. In summary, the available evidence is currently insufficient to determine the role of this variant in disease. Therefore, it has been classified as a Variant of Uncertain Significance.

NM_001079843.3(CASZ1):c.2947G>A (p.Ala983Thr)

Gene: CASZ1 (castor zinc finger 1; minus strand). Cytogenetic location: 1p36.22.
Variant type: single nucleotide variant.
Coding change: c.2947G>A on transcript NM_001079843.3 (MANE Select); coding-DNA position 2947, G replaced by A.
Protein change: p.Ala983Thr; replaces alanine 983 with threonine.
Molecular consequence: missense variant.
Genome position (GRCh38, 1-based): chr1:10,649,371, C>T on the plus strand (G>A on the coding strand, the complement: CASZ1 is on the minus strand). VCF-style: chr1-10649371-C-T. GRCh37 (hg19) VCF-style: chr1-10709428-C-T.
Other names: c.2947G>A, p.Ala983Thr (NM_017766.5); short protein forms A983T.
Identifiers: ClinVar variation 4702691 (VCV004702691.1).